The following is an entry in ClinVar:

ClinVar aggregate classification (germline): Uncertain significance (1 of 4 stars; one submission).

Submission:

GeneDx
Classification: Uncertain significance. Last evaluated: 2024-05-20. Review status: criteria provided, single submitter. Criteria: GeneDx Variant Classification Process June 2021. Collection method: clinical testing. Allele origin: germline. Affected: yes.
Comment: Nonsense variant predicted to result in protein truncation or nonsense mediated decay in a gene or region of a gene for which loss of function is not a well-established mechanism of disease; Not observed at significant frequency in large population cohorts (gnomAD); Has not been previously published as pathogenic or benign to our knowledge

NM_001205293.3(CACNA1E):c.3349A>T (p.Lys1117Ter)

Gene: CACNA1E (calcium voltage-gated channel subunit alpha1 E; plus strand). Cytogenetic location: 1q25.3.
Variant type: single nucleotide variant.
Coding change: c.3349A>T on transcript NM_001205293.3 (MANE Select); coding-DNA position 3349, A replaced by T.
Protein change: p.Lys1117Ter; replaces lysine 1117 with a stop codon.
Molecular consequence: nonsense.
Genome position (GRCh38, 1-based): chr1:181,736,361, A>T. VCF-style: chr1-181736361-A-T. GRCh37 (hg19) VCF-style: chr1-181705497-A-T.
Other names: c.3349A>T, p.Lys1117Ter (NM_000721.4); c.3292A>T, p.Lys1098Ter (NM_001205294.2); short protein forms K1098*, K1117*.
Identifiers: ClinVar variation 3381689 (VCV003381689.1).
Genomic context (GRCh38, chr1:181,736,361, plus strand): 5'-AGTCCCTTGAAGGAGGCAGAGATCAGAGAGGATGAGGAGGAGGTGGAGAAGAAGAAGCAG[A>T]AGAAGGAGAAGCGTGAGACAGGCAAAGCCATGGTGCCCCACAGCTCAATGTTCATCTTCA-3'